The following is an entry in ClinVar:

ClinVar aggregate classification (germline): Pathogenic/Likely pathogenic. Review status: criteria provided, multiple submitters, no conflicts (2 of 4 stars). 3 submissions from 3 submitters: Pathogenic (2); Likely pathogenic (1). Last evaluated 2026-05-12.

Conditions:
Bardet-Biedl syndrome 10 (BBS10). Identifiers: Orphanet 110, MedGen C1859568, MONDO:0014438, OMIM 615987.
Bardet-Biedl syndrome (BBS). Identifiers: Orphanet 110, MedGen C0752166, MONDO:0015229.

Submissions (3):

Myriad Genetics, Inc.
Classification: Pathogenic for Bardet-Biedl syndrome 10. Last evaluated: 2026-05-12. Review status: criteria provided, single submitter. Criteria: Myriad Autosomal Dominant, Autosomal Recessive and X-Linked Classification Criteria (2023). Collection method: clinical testing. Allele origin: unknown.
Comment: NM_024685.3(BBS10):c.1335_1338delTTTT(Y448Rfs*39) is a frameshift variant classified as pathogenic in the context of Bardet-Biedl syndrome, BBS10-related. Y448Rfs*39 has not been observed in cases with relevant disease. Relevant functional assessments of this variant are not available in the literature. Y448Rfs*39 has not been observed in referenced population frequency databases. In summary, NM_024685.3(BBS10):c.1335_1338delTTTT(Y448Rfs*39) is a frameshift variant in a gene where loss of function is a known mechanism of disease and is predicted to disrupt protein function. Please note: this variant was assessed in the context of healthy population screening.

Labcorp Genetics (formerly Invitae), Labcorp
Classification: Pathogenic for Bardet-Biedl syndrome. Last evaluated: 2024-09-23. Review status: criteria provided, single submitter. Criteria: Invitae Variant Classification Sherloc (09022015). Collection method: clinical testing. Allele origin: germline.
Comment: This sequence change creates a premature translational stop signal (p.Tyr448Argfs*39) in the BBS10 gene. While this is not anticipated to result in nonsense mediated decay, it is expected to disrupt the last 276 amino acid(s) of the BBS10 protein. This variant is not present in population databases (gnomAD no frequency). This variant has not been reported in the literature in individuals affected with BBS10-related conditions. ClinVar contains an entry for this variant (Variation ID: 1453738). This variant disrupts a region of the BBS10 protein in which other variant(s) (p.Val707*) have been determined to be pathogenic (PMID: 20472660, 22773737, 25982971, 27486776). This suggests that this is a clinically significant region of the protein, and that variants that disrupt it are likely to be disease-causing. For these reasons, this variant has been classified as Pathogenic.

Baylor Genetics
Classification: Likely pathogenic for Bardet-Biedl syndrome 10. Last evaluated: 2023-06-28. Review status: criteria provided, single submitter. Criteria: ACMG Guidelines, 2015. Collection method: clinical testing. Allele origin: unknown.

Literature cited by the submitters: PubMed 20472660 (cited by Labcorp Genetics (formerly Invitae), Labcorp); PubMed 22773737 (cited by Labcorp Genetics (formerly Invitae), Labcorp); PubMed 25982971 (cited by Labcorp Genetics (formerly Invitae), Labcorp); PubMed 27486776 (cited by Labcorp Genetics (formerly Invitae), Labcorp).

NM_024685.4(BBS10):c.1335_1338del (p.Tyr448fs)

Gene: BBS10 (Bardet-Biedl syndrome 10; minus strand). Cytogenetic location: 12q21.2.
Variant type: Deletion.
Coding change: c.1335_1338del on transcript NM_024685.4 (MANE Select); coding-DNA positions 1335 to 1338, 4 bases deleted (TTTT; older notation c.1335_1338delTTTT).
Protein change: p.Tyr448fs; shifts the reading frame from tyrosine 448.
Molecular consequence: frameshift variant.
Genome position (GRCh38, 1-based): chr12:76,346,647-76,346,650, AAAA deleted on the plus strand (TTTT on the coding strand, the reverse complement: BBS10 is on the minus strand); deleting any 4 consecutive bases within chr12:76,346,647-76,346,651 gives the same sequence; the c. name uses the placement nearest the transcript's 3' end. VCF-style (leftmost placement, unchanged base first): chr12-76346646-TAAAA-T. GRCh37 (hg19) VCF-style: chr12-76740426-TAAAA-T.
Other names: short protein forms Y448fs.
Identifiers: ClinVar variation 1453738 (VCV001453738.10), dbSNP rs1389599028, ClinGen allele CA2573148990.